The following is an entry in ClinVar:

ClinVar aggregate classification (germline): Uncertain significance (1 of 4 stars; one submission).

Conditions:
Polyglandular autoimmune syndrome, type 1 (APS1). Also called: AUTOIMMUNE POLYENDOCRINE SYNDROME, TYPE I, WITH OR WITHOUT REVERSIBLE METAPHYSEAL DYSPLASIA; APS I; Autoimmune polyendocrine syndrome type 1; HYPOADRENOCORTICISM WITH HYPOPARATHYROIDISM AND SUPERFICIAL MONILIASIS; PGA I; Autoimmune polyendocrinopathy syndrome, type I. Identifiers: Orphanet 3453, MedGen C0085859, MONDO:0009411, OMIM 240300.

Submission:

Labcorp Genetics (formerly Invitae), Labcorp
Classification: Uncertain significance for Polyglandular autoimmune syndrome, type 1. Last evaluated: 2022-12-04. Review status: criteria provided, single submitter. Criteria: Invitae Variant Classification Sherloc (09022015). Collection method: clinical testing. Allele origin: germline.
Comment: This sequence change replaces serine, which is neutral and polar, with glycine, which is neutral and non-polar, at codon 248 of the AIRE protein (p.Ser248Gly). This variant is present in population databases (no rsID available, gnomAD 0.002%). This variant has not been reported in the literature in individuals affected with AIRE-related conditions. Advanced modeling of protein sequence and biophysical properties (such as structural, functional, and spatial information, amino acid conservation, physicochemical variation, residue mobility, and thermodynamic stability) performed at Invitae indicates that this missense variant is not expected to disrupt AIRE protein function. In summary, the available evidence is currently insufficient to determine the role of this variant in disease. Therefore, it has been classified as a Variant of Uncertain Significance.

NM_000383.4(AIRE):c.742A>G (p.Ser248Gly)

Gene: AIRE (autoimmune regulator; plus strand). Cytogenetic location: 21q22.3.
Variant type: single nucleotide variant.
Coding change: c.742A>G on transcript NM_000383.4 (MANE Select); coding-DNA position 742, A replaced by G.
Protein change: p.Ser248Gly; replaces serine 248 with glycine.
Molecular consequence: missense variant.
Genome position (GRCh38, 1-based): chr21:44,289,746, A>G. VCF-style: chr21-44289746-A-G. GRCh37 (hg19) VCF-style: chr21-45709629-A-G.
Other names: short protein forms S248G.
Identifiers: ClinVar variation 2818511 (VCV002818511.3), dbSNP rs1200953454, ClinGen allele CA410424488.